The following is an entry in ClinVar:

NM_033109.5(PNPT1):c.1945G>A (p.Val649Ile)

Gene: PNPT1 (polyribonucleotide nucleotidyltransferase 1; minus strand). Cytogenetic location: 2p16.1.
Variant type: single nucleotide variant.
Coding change: c.1945G>A on transcript NM_033109.5 (MANE Select); coding-DNA position 1945, G replaced by A.
Protein change: p.Val649Ile; replaces valine 649 with isoleucine.
Molecular consequence: missense variant.
Genome position (GRCh38, 1-based): chr2:55,643,387, C>T on the plus strand (G>A on the coding strand, the complement: PNPT1 is on the minus strand). VCF-style: chr2-55643387-C-T. GRCh37 (hg19) VCF-style: chr2-55870522-C-T.
Other names: short protein forms V649I.
Identifiers: ClinVar variation 1512789 (VCV001512789.6), dbSNP rs1226004660, ClinGen allele CA346924017.

ClinVar aggregate classification (germline): Uncertain significance (1 of 4 stars; one submission).

Allele frequency attached by ClinVar (database versions not stated): gnomAD exomes below 0.00001; gnomAD 0.00001; TOPMed 0.00001.

Submission:

Labcorp Genetics (formerly Invitae), Labcorp
Classification: Uncertain significance. Last evaluated: 2022-05-12. Review status: criteria provided, single submitter. Criteria: Invitae Variant Classification Sherloc (09022015). Collection method: clinical testing. Allele origin: germline.
Comment: In summary, the available evidence is currently insufficient to determine the role of this variant in disease. Therefore, it has been classified as a Variant of Uncertain Significance. Advanced modeling of protein sequence and biophysical properties (such as structural, functional, and spatial information, amino acid conservation, physicochemical variation, residue mobility, and thermodynamic stability) performed at Invitae indicates that this missense variant is not expected to disrupt PNPT1 protein function. This variant has not been reported in the literature in individuals affected with PNPT1-related conditions. This variant is present in population databases (no rsID available, gnomAD 0.004%). This sequence change replaces valine, which is neutral and non-polar, with isoleucine, which is neutral and non-polar, at codon 649 of the PNPT1 protein (p.Val649Ile).